The following is an entry in ClinVar:

NM_020778.5(ALPK3):c.4149G>A (p.Met1383Ile)

Gene: ALPK3 (alpha kinase 3; plus strand). Cytogenetic location: 15q25.3.
Variant type: single nucleotide variant.
Coding change: c.4149G>A on transcript NM_020778.5 (MANE Select); coding-DNA position 4149, G replaced by A.
Protein change: p.Met1383Ile; replaces methionine 1383 with isoleucine.
Molecular consequence: missense variant.
Genome position (GRCh38, 1-based): chr15:84,862,654, G>A. VCF-style: chr15-84862654-G-A. GRCh37 (hg19) VCF-style: chr15-85405885-G-A.
Other names: short protein forms M1383I.
Identifiers: ClinVar variation 3730238 (VCV003730238.3).

ClinVar aggregate classification (germline): Uncertain significance. Review status: criteria provided, multiple submitters, no conflicts (2 of 4 stars). 2 submissions from 2 submitters: Uncertain significance (2). Last evaluated 2024-11-30.

Submissions (2):

Labcorp Genetics (formerly Invitae), Labcorp
Classification: Uncertain significance. Last evaluated: 2024-11-30. Review status: criteria provided, single submitter. Criteria: Invitae Variant Classification Sherloc (09022015). Collection method: clinical testing. Allele origin: germline.
Comment: This sequence change replaces methionine, which is neutral and non-polar, with isoleucine, which is neutral and non-polar, at codon 1585 of the ALPK3 protein (p.Met1585Ile). This variant is not present in population databases (gnomAD no frequency). This variant has not been reported in the literature in individuals affected with ALPK3-related conditions. Invitae Evidence Modeling of protein sequence and biophysical properties (such as structural, functional, and spatial information, amino acid conservation, physicochemical variation, residue mobility, and thermodynamic stability) indicates that this missense variant is expected to disrupt ALPK3 protein function with a positive predictive value of 80%. In summary, the available evidence is currently insufficient to determine the role of this variant in disease. Therefore, it has been classified as a Variant of Uncertain Significance.

Blueprint Genetics
Classification: Uncertain significance. Last evaluated: 2023-10-16. Review status: criteria provided, single submitter. Criteria: ACMG Guidelines, 2015. Collection method: clinical testing. Allele origin: germline.